The following is an entry in ClinVar:

ClinVar aggregate classification (germline): Benign/Likely benign. Review status: criteria provided, multiple submitters, no conflicts (2 of 4 stars). 3 submissions from 3 submitters: Benign (1); Likely benign (2). Last evaluated 2025-05-04.

Conditions:
Familial melanoma. Also called: Hereditary melanoma; Hereditary cutaneous melanoma. Identifiers: Orphanet 618, MedGen C1512419, MONDO:0018961.
Hereditary cancer-predisposing syndrome. Also called: Hereditary Cancer Syndrome; Hereditary neoplastic syndrome; Neoplastic Syndromes, Hereditary; Tumor predisposition. Identifiers: Orphanet 140162, MedGen C0027672, MeSH D009386, MONDO:0015356.
Melanoma, cutaneous malignant, susceptibility to, 3. Also called: Cutaneous malignant melanoma 3. Identifiers: Orphanet 618, MedGen C1836892, MONDO:0012183, OMIM 609048.

Submissions (3):

Labcorp Genetics (formerly Invitae), Labcorp
Classification: Likely benign for Familial melanoma. Last evaluated: 2025-05-04. Review status: criteria provided, single submitter. Criteria: Invitae Variant Classification Sherloc (09022015). Collection method: clinical testing. Allele origin: germline.

Myriad Genetics, Inc.
Classification: Benign for Melanoma, cutaneous malignant, susceptibility to, 3. Last evaluated: 2024-09-25. Review status: criteria provided, single submitter. Criteria: Myriad Autosomal Dominant, Autosomal Recessive and X-Linked Classification Criteria (2023). Collection method: clinical testing. Allele origin: unknown.
Comment: This variant is considered benign. This variant is a silent/synonymous amino acid change and it is not expected to impact splicing.

Ambry Genetics
Classification: Likely benign for Hereditary cancer-predisposing syndrome. Last evaluated: 2023-10-21. Review status: criteria provided, single submitter. Criteria: Ambry Variant Classification Scheme 2023. Collection method: clinical testing. Allele origin: germline.

NM_000075.4(CDK4):c.333C>A (p.Gly111=)

Gene: CDK4 (cyclin dependent kinase 4; minus strand). Cytogenetic location: 12q14.1.
Variant type: single nucleotide variant.
Coding change: c.333C>A on transcript NM_000075.4 (MANE Select); coding-DNA position 333, C replaced by A.
Protein change: p.Gly111=; no amino-acid change (glycine 111 retained).
Molecular consequence: synonymous variant.
Genome position (GRCh38, 1-based): chr12:57,751,228, G>T on the plus strand (C>A on the coding strand, the complement: CDK4 is on the minus strand). VCF-style: chr12-57751228-G-T. GRCh37 (hg19) VCF-style: chr12-58145011-G-T.
Identifiers: ClinVar variation 754713 (VCV000754713.10), dbSNP rs1595110689, ClinGen allele CA480404573.